The following is an entry in ClinVar:

ClinVar aggregate classification (germline): Uncertain significance (1 of 4 stars; one submission).

Conditions:
Inborn genetic diseases. Identifiers: MedGen C0950123, MeSH D030342.

gnomAD v4.1: 8 of 1,613,308 alleles (0.0005%); highest among the groups gnomAD compares: Non-Finnish European, 0.00068%; no homozygotes.

Submission:

Ambry Genetics
Classification: Uncertain significance for Inborn genetic diseases. Last evaluated: 2026-02-17. Review status: criteria provided, single submitter. Criteria: Ambry Variant Classification Scheme 2023. Collection method: clinical testing. Allele origin: germline.
Comment: The p.A305T variant (also known as c.913G>A), located in coding exon 5 of the RECQL4 gene, results from a G to A substitution at nucleotide position 913. The alanine at codon 305 is replaced by threonine, an amino acid with similar properties. This amino acid position is conserved. In addition, this alteration is predicted to be tolerated by in silico analysis. Based on the available evidence, the clinical significance of this variant remains unclear.

NM_004260.4(RECQL4):c.913G>A (p.Ala305Thr)

Gene: RECQL4 (RecQ like helicase 4; minus strand). Cytogenetic location: 8q24.3.
Variant type: single nucleotide variant.
Coding change: c.913G>A on transcript NM_004260.4 (MANE Select); coding-DNA position 913, G replaced by A.
Protein change: p.Ala305Thr; replaces alanine 305 with threonine.
Molecular consequence: missense variant. On other transcripts: 5 prime UTR variant (17), non-coding transcript variant (3).
Genome position (GRCh38, 1-based): chr8:144,516,206, C>T on the plus strand (G>A on the coding strand, the complement: RECQL4 is on the minus strand). VCF-style: chr8-144516206-C-T. GRCh37 (hg19) VCF-style: chr8-145741590-C-T.
Other names: c.913G>A, p.Ala305Thr (NM_001413020.1, NM_001413033.1, NM_001413036.1 and 4 more transcripts); c.-159G>A (NM_001413021.1, NM_001413022.1, NM_001413023.1 and 7 more transcripts); c.784G>A, p.Ala262Thr (NM_001413025.1); c.-221G>A (NM_001413027.1, NM_001413030.1, NM_001413031.1 and 2 more transcripts); c.562G>A, p.Ala188Thr (NM_001413029.1); c.-63G>A (NM_001413034.1); c.-428G>A (NM_001413043.1); short protein forms A188T, A305T, A262T.
Identifiers: ClinVar variation 4844363 (VCV004844363.1).
Genomic context (GRCh38, chr8:144,516,206, plus strand): 5'-AGGGGCTGAGTCCGTGGTACCTGGGGTTCGATGGGCTGCTGCAGGGCTGAGGTGGCTGTG[C>T]CTGTACAGGTTCCCCTGGAGGGTCTTCCTCAACTGCTACAGCCCCAGCCCCCTCCGATGG-3'
Protein context (NP_004251.4, residues 295-315): EEDPPGEPVQ[Ala305Thr]QPPQPCSSPS